The following is an entry in ClinVar:

NM_000702.4(ATP1A2):c.1583A>G (p.Asp528Gly)

Gene: ATP1A2 (ATPase Na+/K+ transporting subunit alpha 2; plus strand). Cytogenetic location: 1q23.2.
Variant type: single nucleotide variant.
Coding change: c.1583A>G on transcript NM_000702.4 (MANE Select); coding-DNA position 1583, A replaced by G.
Protein change: p.Asp528Gly; replaces aspartic acid 528 with glycine.
Molecular consequence: missense variant.
Genome position (GRCh38, 1-based): chr1:160,130,223, A>G. VCF-style: chr1-160130223-A-G. GRCh37 (hg19) VCF-style: chr1-160100013-A-G.
Other names: short protein forms D528G.
Identifiers: ClinVar variation 3369251 (VCV003369251.1).
Genomic context (GRCh38, chr1:160,130,223, plus strand): 5'-CAGAGCGCATTCTGGACCGGTGCTCCACCATCCTGGTGCAGGGCAAGGAGATCCCGCTCG[A>G]CAAGGAGATGCAAGATGCCTTTCAAAATGCCTACATGGAGCTGGGGGGACTTGGGGAGCG-3'
Protein context (NP_000693.1, residues 518-538): ILVQGKEIPL[Asp528Gly]KEMQDAFQNA

ClinVar aggregate classification (germline): Uncertain significance (1 of 4 stars; one submission).

gnomAD v4.1: 1 of 1,614,226 alleles (0.000062%); highest among the groups gnomAD compares: Non-Finnish European, 0.000085%; no homozygotes.

Submission:

GeneDx
Classification: Uncertain significance. Last evaluated: 2024-02-12. Review status: criteria provided, single submitter. Criteria: GeneDx Variant Classification Process June 2021. Collection method: clinical testing. Allele origin: germline. Affected: yes.
Comment: Not observed at significant frequency in large population cohorts (gnomAD); In silico analysis supports that this missense variant has a deleterious effect on protein structure/function; Has not been previously published as pathogenic or benign to our knowledge; Located within phosphorylation subdomain (PMID: 18184292); This variant is associated with the following publications: (PMID: 18184292)